The following is an entry in ClinVar:

NM_001130987.2(DYSF):c.2636C>A (p.Ser879Ter)

Gene: DYSF (dysferlin; plus strand). Cytogenetic location: 2p13.2.
Variant type: single nucleotide variant.
Coding change: c.2636C>A on transcript NM_001130987.2 (MANE Select); coding-DNA position 2636, C replaced by A.
Protein change: p.Ser879Ter; replaces serine 879 with a stop codon.
Molecular consequence: nonsense.
Genome position (GRCh38, 1-based): chr2:71,568,021, C>A. VCF-style: chr2-71568021-C-A. GRCh37 (hg19) VCF-style: chr2-71795151-C-A.
Other names: c.2585C>A, p.Ser862Ter (NM_001130455.2, NM_001130983.2); c.2540C>A, p.Ser847Ter (NM_001130976.2, NM_001130977.2); c.2582C>A, p.Ser861Ter (NM_001130978.2, NM_003494.4); c.2675C>A, p.Ser892Ter (NM_001130979.2); c.2633C>A, p.Ser878Ter (NM_001130980.2, NM_001130981.2); c.2678C>A, p.Ser893Ter (NM_001130982.2); c.2543C>A, p.Ser848Ter (NM_001130984.2, NM_001130986.2); c.2636C>A, p.Ser879Ter (NM_001130985.2); short protein forms S847*, S848*, S861*, S862*, S878*, S879*, S892*, S893*.
Identifiers: ClinVar variation 983671 (VCV000983671.4), dbSNP rs2092208616, ClinGen allele CA347213610.

ClinVar aggregate classification (germline): Likely pathogenic (1 of 4 stars; one submission).

Conditions:
Autosomal recessive limb-girdle muscular dystrophy. Identifiers: Orphanet 102015, MedGen C2931907, MONDO:0015152.

Submission:

Myriad Genetics, Inc.
Classification: Likely pathogenic for Autosomal recessive limb-girdle muscular dystrophy. Last evaluated: 2019-12-28. Review status: criteria provided, single submitter. Criteria: Myriad Autosomal Dominant, Autosomal Recessive and X-Linked Classification Criteria (2023). Collection method: clinical testing. Allele origin: unknown.
Comment: NM_003494.3(DYSF):c.2582C>A(S861*) is expected to be pathogenic in the context of dysferlinopathy. This variant is predicted to lead to an abnormal or absent protein product due to the creation of a premature termination codon in DYSF, a gene where loss-of-function variants are known to be pathogenic. Please note: this variant was assessed in the context of healthy population screening.